The following is an entry in ClinVar:

ClinVar aggregate classification (germline): Uncertain significance (1 of 4 stars; one submission).

Conditions:
Spondylocostal dysostosis 3, autosomal recessive (SCDO3). Also called: LFNG-Related Spondylocostal Dysostosis, Autosomal Recessive. Identifiers: Orphanet 2311, MedGen C1853296, MONDO:0012349, OMIM 609813.

Allele frequency attached by ClinVar (database versions not stated): gnomAD exomes 0.00001.
gnomAD v4.1: 1 of 1,093,668 alleles (0.000091%); highest among the groups gnomAD compares: South Asian, 0.003%; no homozygotes.

Submission:

Labcorp Genetics (formerly Invitae), Labcorp
Classification: Uncertain significance for Spondylocostal dysostosis 3, autosomal recessive. Last evaluated: 2020-12-09. Review status: criteria provided, single submitter. Criteria: Invitae Variant Classification Sherloc (09022015). Collection method: clinical testing. Allele origin: germline.
Comment: This variant has not been reported in the literature in individuals with LFNG-related conditions. The frequency data for this variant in the population databases is considered unreliable, as metrics indicate insufficient coverage at this position in the ExAC database. This sequence change replaces alanine with threonine at codon 16 of the LFNG protein (p.Ala16Thr). The alanine residue is moderately conserved and there is a small physicochemical difference between alanine and threonine. Algorithms developed to predict the effect of missense changes on protein structure and function are either unavailable or do not agree on the potential impact of this missense change (SIFT: "Deleterious"; PolyPhen-2: "Benign"; Align-GVGD: "Class C0"). In summary, the available evidence is currently insufficient to determine the role of this variant in disease. Therefore, it has been classified as a Variant of Uncertain Significance.

NM_001040167.2(LFNG):c.46G>A (p.Ala16Thr)

Genes: LFNG (LFNG O-fucosylpeptide 3-beta-N-acetylglucosaminyltransferase; plus strand), LOC129997823 (ATAC-STARR-seq lymphoblastoid silent region 17876; plus strand). Cytogenetic location: 7p22.3.
Variant type: single nucleotide variant.
Coding change: c.46G>A on transcript NM_001040167.2 (MANE Select); coding-DNA position 46, G replaced by A.
Protein change: p.Ala16Thr; replaces alanine 16 with threonine.
Molecular consequence: missense variant. On other transcripts: intron variant (2).
Genome position (GRCh38, 1-based): chr7:2,519,907, G>A. VCF-style: chr7-2519907-G-A. GRCh37 (hg19) VCF-style: chr7-2559541-G-A.
Other names: c.46G>A, p.Ala16Thr (NM_001040168.2); c.220-4788G>A (NM_001166355.2); c.45+1309G>A (NM_002304.3); short protein forms A16T.
Identifiers: ClinVar variation 1428674 (VCV001428674.8), dbSNP rs1779735531, ClinGen allele CA366612823.